The following is an entry in ClinVar:

ClinVar aggregate classification (germline): Uncertain significance (1 of 4 stars; one submission).

Submission:

GeneDx
Classification: Uncertain significance. Last evaluated: 2022-10-05. Review status: criteria provided, single submitter. Criteria: GeneDx Variant Classification Process June 2021. Collection method: clinical testing. Allele origin: germline. Affected: yes.
Comment: Not observed at significant frequency in large population cohorts (gnomAD); In silico analysis supports that this missense variant has a deleterious effect on protein structure/function; Has not been previously published as pathogenic or benign to our knowledge

NM_006734.4(HIVEP2):c.5701G>A (p.Glu1901Lys)

Gene: HIVEP2 (HIVEP zinc finger 2; minus strand). Cytogenetic location: 6q24.2.
Variant type: single nucleotide variant.
Coding change: c.5701G>A on transcript NM_006734.4 (MANE Select); coding-DNA position 5701, G replaced by A.
Protein change: p.Glu1901Lys; replaces glutamic acid 1901 with lysine.
Molecular consequence: missense variant.
Genome position (GRCh38, 1-based): chr6:142,760,587, C>T on the plus strand (G>A on the coding strand, the complement: HIVEP2 is on the minus strand). VCF-style: chr6-142760587-C-T. GRCh37 (hg19) VCF-style: chr6-143081724-C-T.
Other names: short protein forms E1901K.
Identifiers: ClinVar variation 2497795 (VCV002497795.1), dbSNP rs2482773498, ClinGen allele CA365888980.